The following is an entry in ClinVar:

NM_001035.3(RYR2):c.14137G>A (p.Val4713Ile)

Gene: RYR2 (ryanodine receptor 2; plus strand). Cytogenetic location: 1q43.
Variant type: single nucleotide variant.
Coding change: c.14137G>A on transcript NM_001035.3 (MANE Select); coding-DNA position 14137, G replaced by A.
Protein change: p.Val4713Ile; replaces valine 4713 with isoleucine.
Molecular consequence: missense variant.
Genome position (GRCh38, 1-based): chr1:237,801,902, G>A. VCF-style: chr1-237801902-G-A. GRCh37 (hg19) VCF-style: chr1-237965202-G-A.
Other names: short protein forms V4713I.
Identifiers: ClinVar variation 2911252 (VCV002911252.4), dbSNP rs2528071659, ClinGen allele CA345421220.
Genomic context (GRCh38, chr1:237,801,902, plus strand): 5'-TTTTGTCATTGCAGACTGAACTCCATTGATGTGAAGTATCAGATGTGGAAACTAGGAGTC[G>A]TTTTCACTGACAACGTAAGCCTACTTCATTATCACAAAAGAAAATGCACTCTGATTAGAT-3'
Protein context (NP_001026.2, residues 4703-4723): VKYQMWKLGV[Val4713Ile]FTDNSFLYLA

ClinVar aggregate classification (germline): Uncertain significance. Review status: criteria provided, multiple submitters, no conflicts (2 of 4 stars). 2 submissions from 2 submitters: Uncertain significance (2). Last evaluated 2023-09-20.

Conditions:
Catecholaminergic polymorphic ventricular tachycardia (CVPT). Also called: Catecholamine-induced polymorphic ventricular tachycardia. Identifiers: Orphanet 3286, MedGen C5574922, MONDO:0017990.
Catecholaminergic polymorphic ventricular tachycardia 1. Also called: VENTRICULAR TACHYCARDIA, CATECHOLAMINERGIC POLYMORPHIC, 1, WITH OR WITHOUT ATRIAL DYSFUNCTION AND/OR DILATED CARDIOMYOPATHY; VENTRICULAR TACHYCARDIA, STRESS-INDUCED POLYMORPHIC 1; RYR2-Related Catecholaminergic Polymorphic Ventricular Tachycardia. Identifiers: Orphanet 3286, MedGen C1631597, MONDO:0011484, OMIM 604772.

gnomAD v4.1: 3 of 1,600,054 alleles (0.00019%); highest among the groups gnomAD compares: Non-Finnish European, 0.00017%; no homozygotes.

Submissions (2):

Labcorp Genetics (formerly Invitae), Labcorp
Classification: Uncertain significance for Catecholaminergic polymorphic ventricular tachycardia 1. Last evaluated: 2023-09-20. Review status: criteria provided, single submitter. Criteria: Invitae Variant Classification Sherloc (09022015). Collection method: clinical testing. Allele origin: germline.
Comment: In summary, the available evidence is currently insufficient to determine the role of this variant in disease. Therefore, it has been classified as a Variant of Uncertain Significance. Advanced modeling of protein sequence and biophysical properties (such as structural, functional, and spatial information, amino acid conservation, physicochemical variation, residue mobility, and thermodynamic stability) performed at Invitae indicates that this missense variant is not expected to disrupt RYR2 protein function. This variant has not been reported in the literature in individuals affected with RYR2-related conditions. This variant is not present in population databases (gnomAD no frequency). This sequence change replaces valine, which is neutral and non-polar, with isoleucine, which is neutral and non-polar, at codon 4713 of the RYR2 protein (p.Val4713Ile).

All of Us Research Program, National Institutes of Health
Classification: Uncertain significance for Catecholaminergic polymorphic ventricular tachycardia. Last evaluated: 2023-03-04. Review status: criteria provided, single submitter. Criteria: ACMG Guidelines, 2015. Collection method: clinical testing. Allele origin: germline. Inheritance: Autosomal dominant inheritance. Observed: 1 variant allele, 1 heterozygote.
Comment: This study involves interpretation of variants in research participants for the purpose of population health screening. Participant phenotype was not available at the time of variant classification. Additional details can be found in publication PMID: 35346344, PMCID: PMC8962531